The following is an entry in ClinVar:

ClinVar aggregate classification (germline): Likely pathogenic. Review status: criteria provided, single submitter (1 of 4 stars). 2 submissions from 2 submitters: Likely pathogenic (1). 1 of the submissions does not count toward it. Last evaluated 2020-06-22.

Conditions:
Familial cancer of breast. Also called: Hereditary breast cancer; hereditary breast carcinoma; BREAST CANCER, FAMILIAL. Identifiers: Orphanet 227535, MedGen C0346153, MONDO:0016419, OMIM 114480. Disease mechanism: loss of function.
Malignant tumor of breast. Also called: Malignant breast neoplasm; Cancer breast. Identifiers: MedGen C0006142, MONDO:0007254. Disease mechanism: loss of function.

Submissions (2):

Women's Health and Genetics/Laboratory Corporation of America, LabCorp
Classification: Likely pathogenic for breast cancer. Last evaluated: 2020-06-22. Review status: criteria provided, single submitter. Criteria: LabCorp Variant Classification Summary - May 2015. Collection method: clinical testing. Allele origin: germline.
Comment: Variant summary: PALB2 c.3251C>A (p.Ser1084X) results in a premature termination codon, predicted to cause a truncation of the encoded protein or absence of the protein due to nonsense mediated decay, which are commonly known mechanisms for disease. Truncations downstream of this position have been classified as pathogenic by our laboratory. The variant was absent in 251478 control chromosomes. To our knowledge, no occurrence of c.3251C>A in individuals affected with Breast Cancer and no experimental evidence demonstrating its impact on protein function have been reported. No clinical diagnostic laboratories have submitted clinical-significance assessments for this variant to ClinVar after 2014. Based on the evidence outlined above, the variant was classified as likely pathogenic.

deCODE genetics, Amgen
Classification: Likely pathogenic for Familial cancer of breast. Last evaluated: 2023-07-21. Review status: no assertion criteria provided. Collection method: research. Allele origin: germline. Affected: yes. Observed: 1 variant allele. Not counted in ClinVar's aggregate classification.
Comment: The variant NM_024675.4:c.3251C>A (chr16:23607963) in PALB2 was detected in 1 heterozygote out of 58K WGS Icelanders (MAF= 0,001%). This variant has been reported in ClinVar previously as likely pathogenic. Based on ACMG criteria (PVS1, PM2) this variant classifies as likely pathogenic.

NM_024675.4(PALB2):c.3251C>A (p.Ser1084Ter)

Gene: PALB2 (partner and localizer of BRCA2; minus strand). Cytogenetic location: 16p12.2.
Variant type: single nucleotide variant.
Coding change: c.3251C>A on transcript NM_024675.4 (MANE Select); coding-DNA position 3251, C replaced by A.
Protein change: p.Ser1084Ter; replaces serine 1084 with a stop codon.
Molecular consequence: nonsense.
Genome position (GRCh38, 1-based): chr16:23,607,963, G>T on the plus strand (C>A on the coding strand, the complement: PALB2 is on the minus strand). VCF-style: chr16-23607963-G-T. GRCh37 (hg19) VCF-style: chr16-23619284-G-T.
Other names: short protein forms S1084*.
Identifiers: ClinVar variation 933181 (VCV000933181.18), dbSNP rs62625271, ClinGen allele CA395139820.